The following is an entry in ClinVar:

ClinVar aggregate classification (germline): Uncertain significance. Review status: criteria provided, multiple submitters, no conflicts (2 of 4 stars). 4 submissions from 4 submitters: Uncertain significance (4). Last evaluated 2025-02-25.

Conditions:
POLD1-related polyposis and colorectal cancer syndrome (CRCS10). Also called: Colorectal cancer, susceptibility to, 10; Colorectal cancer 10; COLORECTAL CANCER, SUSCEPTIBILITY TO, ON CHROMOSOME 19q. Identifiers: Orphanet 220460, MedGen C2675481, MONDO:0012953, OMIM 612591.
Hereditary cancer-predisposing syndrome. Also called: Neoplastic Syndromes, Hereditary; Hereditary neoplastic syndrome; Hereditary Cancer Syndrome; Tumor predisposition. Identifiers: Orphanet 140162, MedGen C0027672, MeSH D009386, MONDO:0015356.

gnomAD v4.1: 5 of 1,552,034 alleles (0.00032%); highest among the groups gnomAD compares: Non-Finnish European, 0.00017%; no homozygotes.

Submissions (4):

Ambry Genetics
Classification: Uncertain significance for Hereditary cancer-predisposing syndrome. Last evaluated: 2025-02-25. Review status: criteria provided, single submitter. Criteria: Ambry Variant Classification Scheme 2023. Collection method: clinical testing. Allele origin: germline.
Comment: The p.E971* variant (also known as c.2911G>T), located in coding exon 22 of the POLD1 gene, results from a G to T substitution at nucleotide position 2911. This changes the amino acid from a glutamic acid to a stop codon within coding exon 22. This alteration is expected to result in protein truncation or nonsense-mediated mRNA decay. However, loss of function of POLD1 has not been established as a mechanism of disease. Based on the available evidence, the clinical significance of this alteration remains unclear.

Labcorp Genetics (formerly Invitae), Labcorp
Classification: Uncertain significance for POLD1-related polyposis and colorectal cancer syndrome. Last evaluated: 2024-06-04. Review status: criteria provided, single submitter. Criteria: Invitae Variant Classification Sherloc (09022015). Collection method: clinical testing. Allele origin: germline.
Comment: This sequence change creates a premature translational stop signal (p.Glu971*) in the POLD1 gene. Missense variants that disrupt the 3'-5' exonuclease (proof-reading) activity of the POLD1 protein are associated with PPAP (polymerase proofreading–associated polyposis) (PMID: 23263490, 23447401). However, loss-of-function variants that result in an absent or severely disrupted POLD1 protein, and missense variants outside the exonuclease domain, are unlikely to be associated with PPAP. This variant is not present in population databases (gnomAD no frequency). This variant has not been reported in the literature in individuals affected with POLD1-related conditions. ClinVar contains an entry for this variant (Variation ID: 408011). In summary, the available evidence is currently insufficient to determine the role of this variant in disease. Therefore, it has been classified as a Variant of Uncertain Significance.

Molecular Pathology, Peter Maccallum Cancer Centre
Classification: Uncertain significance for POLD1-related polyposis and colorectal cancer syndrome. Last evaluated: 2024-01-31. Review status: criteria provided, single submitter. Criteria: ACMG Guidelines, 2015. Collection method: clinical testing. Allele origin: germline. Inheritance: Autosomal dominant inheritance.

Quest Diagnostics Nichols Institute San Juan Capistrano
Classification: Uncertain significance. Last evaluated: 2017-07-11. Review status: criteria provided, single submitter. Criteria: Quest Diagnostics criteria. Collection method: clinical testing. Allele origin: germline.

Literature cited by the submitters: PubMed 23263490 (cited by Labcorp Genetics (formerly Invitae), Labcorp); PubMed 23447401 (cited by Labcorp Genetics (formerly Invitae), Labcorp).

NM_002691.4(POLD1):c.2911G>T (p.Glu971Ter)

Gene: POLD1 (DNA polymerase delta 1, catalytic subunit; plus strand). Cytogenetic location: 19q13.33.
Variant type: single nucleotide variant.
Coding change: c.2911G>T on transcript NM_002691.4 (MANE Select); coding-DNA position 2911, G replaced by T.
Protein change: p.Glu971Ter; replaces glutamic acid 971 with a stop codon.
Molecular consequence: nonsense. On other transcripts: non-coding transcript variant (1).
Genome position (GRCh38, 1-based): chr19:50,416,486, G>T. VCF-style: chr19-50416486-G-T. GRCh37 (hg19) VCF-style: chr19-50919743-G-T.
Other names: c.2911G>T, p.Glu971Ter (NM_001256849.1); c.2989G>T, p.Glu997Ter (NM_001308632.1); short protein forms E971*, E997*.
Identifiers: ClinVar variation 408011 (VCV000408011.18), dbSNP rs897259743, ClinGen allele CA16616403.